The following is an entry in ClinVar:

NM_004928.3(CFAP410):c.373G>C (p.Ala125Pro)

Gene: CFAP410 (cilia and flagella associated protein 410; minus strand). Cytogenetic location: 21q22.3.
Variant type: single nucleotide variant.
Coding change: c.373G>C on transcript NM_004928.3 (MANE Select); coding-DNA position 373, G replaced by C.
Protein change: p.Ala125Pro; replaces alanine 125 with proline.
Molecular consequence: missense variant.
Genome position (GRCh38, 1-based): chr21:44,333,033, C>G on the plus strand (G>C on the coding strand, the complement: CFAP410 is on the minus strand). VCF-style: chr21-44333033-C-G. GRCh37 (hg19) VCF-style: chr21-45752916-C-G.
Other names: c.373G>C, p.Ala125Pro (NM_001271440.2, NM_001271441.2); c.250G>C, p.Ala84Pro (NM_001271442.1); short protein forms A84P, A125P.
Identifiers: ClinVar variation 860890 (VCV000860890.7), dbSNP rs770527417, ClinGen allele CA10053711.

ClinVar aggregate classification (germline): Conflicting classifications of pathogenicity. Review status: criteria provided, conflicting classifications (1 of 4 stars). 3 submissions from 3 submitters: Uncertain significance (2); Likely benign (1). Last evaluated 2026-07-08.

Conditions:
CFAP410-related disorder. Also called: CFAP410-related condition.

Allele frequency attached by ClinVar (database versions not stated): gnomAD 0.00003 and 0.00004; TOPMed 0.00006; ExAC 0.00017.

Submissions (3):

PreventionGenetics, part of Exact Sciences
Classification: Uncertain significance for CFAP410-related condition. Last evaluated: 2026-07-08. Review status: criteria provided, single submitter. Criteria: ACMG Guidelines, 2015. Collection method: clinical testing. Allele origin: germline.
Comment: The CFAP410 c.373G>C variant is predicted to result in the amino acid substitution p.Ala125Pro. To our knowledge, this variant has not been reported in the literature. This variant is reported in 0.10% of alleles in individuals of Ashkenazi Jewish descent in gnomAD, which may be too frequent to be a primary cause of disease. Although we suspect that this variant may be benign, at this time, the clinical significance of this variant is uncertain due to the absence of conclusive functional and genetic evidence.

Blueprint Genetics
Classification: Likely benign. Last evaluated: 2023-09-14. Review status: criteria provided, single submitter. Criteria: ACMG Guidelines, 2015. Collection method: clinical testing. Allele origin: germline.

Labcorp Genetics (formerly Invitae), Labcorp
Classification: Uncertain significance. Last evaluated: 2022-09-27. Review status: criteria provided, single submitter. Criteria: Invitae Variant Classification Sherloc (09022015). Collection method: clinical testing. Allele origin: germline.
Comment: This sequence change replaces alanine, which is neutral and non-polar, with proline, which is neutral and non-polar, at codon 125 of the CFAP410 protein (p.Ala125Pro). This variant also falls at the last nucleotide of exon 4, which is part of the consensus splice site for this exon. This variant is present in population databases (rs770527417, gnomAD 0.1%). This variant has not been reported in the literature in individuals affected with CFAP410-related conditions. ClinVar contains an entry for this variant (Variation ID: 860890). Algorithms developed to predict the effect of missense changes on protein structure and function (SIFT, PolyPhen-2, Align-GVGD) all suggest that this variant is likely to be tolerated. Variants that disrupt the consensus splice site are a relatively common cause of aberrant splicing (PMID: 17576681, 9536098). Algorithms developed to predict the effect of sequence changes on RNA splicing suggest that this variant may disrupt the consensus splice site. In summary, the available evidence is currently insufficient to determine the role of this variant in disease. Therefore, it has been classified as a Variant of Uncertain Significance.

Literature cited by the submitters: PubMed 17576681 (cited by Labcorp Genetics (formerly Invitae), Labcorp); PubMed 9536098 (cited by Labcorp Genetics (formerly Invitae), Labcorp).